The following is an entry in ClinVar:

ClinVar aggregate classification (germline): Uncertain significance. Review status: criteria provided, multiple submitters, no conflicts (2 of 4 stars). 2 submissions from 2 submitters: Uncertain significance (2). Last evaluated 2023-12-02.

Conditions:
Hereditary cancer-predisposing syndrome. Also called: Tumor predisposition; Hereditary neoplastic syndrome; Neoplastic Syndromes, Hereditary; Hereditary Cancer Syndrome. Identifiers: Orphanet 140162, MedGen C0027672, MeSH D009386, MONDO:0015356.

gnomAD v4.1: 1 of 1,597,554 alleles (0.000063%); highest among the groups gnomAD compares: Non-Finnish European, 0.000085%; no homozygotes.

Submissions (2):

Ambry Genetics
Classification: Uncertain significance for Hereditary cancer-predisposing syndrome. Last evaluated: 2023-12-02. Review status: criteria provided, single submitter. Criteria: Ambry Variant Classification Scheme 2023. Collection method: clinical testing. Allele origin: germline.
Comment: The p.T917K variant (also known as c.2750C>A), located in coding exon 17 of the RAD50 gene, results from a C to A substitution at nucleotide position 2750. The threonine at codon 917 is replaced by lysine, an amino acid with similar properties. This amino acid position is conserved. In addition, this alteration is predicted to be tolerated by in silico analysis. Since supporting evidence is limited at this time, the clinical significance of this alteration remains unclear.

Labcorp Genetics (formerly Invitae), Labcorp
Classification: Uncertain significance for Hereditary cancer-predisposing syndrome. Last evaluated: 2019-05-14. Review status: criteria provided, single submitter. Criteria: Invitae Variant Classification Sherloc (09022015). Collection method: clinical testing. Allele origin: germline.
Comment: In summary, the available evidence is currently insufficient to determine the role of this variant in disease. Therefore, it has been classified as a Variant of Uncertain Significance. This sequence change replaces threonine with lysine at codon 917 of the RAD50 protein (p.Thr917Lys). The threonine residue is weakly conserved and there is a moderate physicochemical difference between threonine and lysine. This variant is not present in population databases (ExAC no frequency). This variant has not been reported in the literature in individuals with RAD50-related conditions. Algorithms developed to predict the effect of missense changes on protein structure and function (SIFT, PolyPhen-2, Align-GVGD) all suggest that this variant is likely to be tolerated, but these predictions have not been confirmed by published functional studies and their clinical significance is uncertain.

NM_005732.4(RAD50):c.2750C>A (p.Thr917Lys)

Gene: RAD50 (RAD50 double strand break repair protein; plus strand). Cytogenetic location: 5q31.1.
Variant type: single nucleotide variant.
Coding change: c.2750C>A on transcript NM_005732.4 (MANE Select); coding-DNA position 2750, C replaced by A.
Protein change: p.Thr917Lys; replaces threonine 917 with lysine.
Molecular consequence: missense variant.
Genome position (GRCh38, 1-based): chr5:132,608,646, C>A. VCF-style: chr5-132608646-C-A. GRCh37 (hg19) VCF-style: chr5-131944338-C-A.
Other names: short protein forms T917K.
Identifiers: ClinVar variation 855827 (VCV000855827.11), dbSNP rs562172843, ClinGen allele CA360958754.
Genomic context (GRCh38, chr5:132,608,646, plus strand): 5'-ATAATACTTTATCTTTTTTATATTTTTAGGATGCTAAAGAGCAGGTAAGCCCTTTGGAAA[C>A]AACATTGGAAAAGTTCCAGCAAGAAAAAGAAGAATTAATCAACAAAAAAAATACAAGCAA-3'
Protein context (NP_005723.2, residues 907-927): DAKEQVSPLE[Thr917Lys]TLEKFQQEKE